The following is an entry in ClinVar:

NM_000142.5(FGFR3):c.1413G>A (p.Arg471=)

Gene: FGFR3 (fibroblast growth factor receptor 3; plus strand). Cytogenetic location: 4p16.3.
Variant type: single nucleotide variant.
Coding change: c.1413G>A on transcript NM_000142.5 (MANE Select); coding-DNA position 1413, G replaced by A.
Protein change: p.Arg471=; no amino-acid change (arginine 471 retained).
Molecular consequence: synonymous variant. On other transcripts: non-coding transcript variant (1).
Genome position (GRCh38, 1-based): chr4:1,805,355, G>A. VCF-style: chr4-1805355-G-A. GRCh37 (hg19) VCF-style: chr4-1807082-G-A.
Other names: c.1419G>A, p.Arg473= (NM_001163213.2); c.1416G>A, p.Arg472= (NM_001354809.2, NM_001354810.2); c.1077G>A, p.Arg359= (NM_022965.4).
Identifiers: ClinVar variation 2958540 (VCV002958540.3), dbSNP rs1389478749, ClinGen allele CA437955424.

ClinVar aggregate classification (germline): Uncertain significance (1 of 4 stars; one submission).

gnomAD v4.1: 9 of 1,611,464 alleles (0.00056%); highest among the groups gnomAD compares: African/African-American, 0.012%; no homozygotes.

Submission:

Labcorp Genetics (formerly Invitae), Labcorp
Classification: Uncertain significance. Last evaluated: 2023-10-26. Review status: criteria provided, single submitter. Criteria: Invitae Variant Classification Sherloc (09022015). Collection method: clinical testing. Allele origin: germline.
Comment: This sequence change affects codon 471 of the FGFR3 mRNA. It is a 'silent' change, meaning that it does not change the encoded amino acid sequence of the FGFR3 protein. It affects a nucleotide within the consensus splice site. This variant is present in population databases (no rsID available, gnomAD 0.008%). This variant has not been reported in the literature in individuals affected with FGFR3-related conditions. Algorithms developed to predict the effect of sequence changes on RNA splicing suggest that this variant is not likely to affect RNA splicing. In summary, the available evidence is currently insufficient to determine the role of this variant in disease. Therefore, it has been classified as a Variant of Uncertain Significance.